The following is an entry in ClinVar:

NM_006005.3(WFS1):c.399C>T (p.Ala133=)

Gene: WFS1 (wolframin ER transmembrane glycoprotein; plus strand). Cytogenetic location: 4p16.1.
Variant type: single nucleotide variant.
Coding change: c.399C>T on transcript NM_006005.3 (MANE Select); coding-DNA position 399, C replaced by T.
Protein change: p.Ala133=; no amino-acid change (alanine 133 retained).
Molecular consequence: synonymous variant.
Genome position (GRCh38, 1-based): chr4:6,289,070, C>T. VCF-style: chr4-6289070-C-T. GRCh37 (hg19) VCF-style: chr4-6290797-C-T.
Other names: c.399C>T, p.Ala133= (NM_001145853.1).
Identifiers: ClinVar variation 750433 (VCV000750433.8), dbSNP rs757294266, ClinGen allele CA2838884.

ClinVar aggregate classification (germline): Benign/Likely benign. Review status: criteria provided, multiple submitters, no conflicts (2 of 4 stars). 2 submissions from 2 submitters: Benign (1); Likely benign (1). Last evaluated 2024-11-27.

Conditions:
Wolfram syndrome 1 (WFS1). Identifiers: Orphanet 3463, MedGen C4551693, MONDO:0009101, OMIM 222300.

Allele frequency attached by ClinVar (database versions not stated): gnomAD exomes 0.00001 and 0.00002; TOPMed 0.00001; ExAC 0.00002; gnomAD 0.00003.
gnomAD v4.1: 15 of 1,592,276 alleles (0.00094%); highest among the groups gnomAD compares: East Asian, 0.0023%; no homozygotes.

Submissions (2):

Labcorp Genetics (formerly Invitae), Labcorp
Classification: Likely benign. Last evaluated: 2024-11-27. Review status: criteria provided, single submitter. Criteria: Invitae Variant Classification Sherloc (09022015). Collection method: clinical testing. Allele origin: germline.

Clinical Genomics, Uppaluri K&H Personalized Medicine Clinic
Classification: Benign for Wolfram syndrome 1. Review status: criteria provided, single submitter. Criteria: K & H Uppaluri Personalized Medicine Clinic Variant Classification & Assertion Criteria_Updated V.1. Collection method: research. Allele origin: unknown. Inheritance: Autosomal recessive inheritance.
Comment: Potent mutations in WFS1 gene are associated with Wolfram's syndrome, an autosomal recessive condition, which cause diabetes mellitus, diabetes insipidus, deafness and optic atrophy. However no sufficient evidence is found to ascertain the role of this particular variant rs757294266 in Wolfram's syndrome yet.

Literature cited by the submitters: PubMed 20738327 (cited by Clinical Genomics, Uppaluri K&H Personalized Medicine Clinic); PubMed 33879153 (cited by Clinical Genomics, Uppaluri K&H Personalized Medicine Clinic); PubMed 12955714 (cited by Clinical Genomics, Uppaluri K&H Personalized Medicine Clinic); PubMed 18060660 (cited by Clinical Genomics, Uppaluri K&H Personalized Medicine Clinic); PubMed 20301750 (cited by Clinical Genomics, Uppaluri K&H Personalized Medicine Clinic); PubMed 17603484 (cited by Clinical Genomics, Uppaluri K&H Personalized Medicine Clinic).